The following is an entry in ClinVar:

NM_144670.6(A2ML1):c.1969C>T (p.Arg657Cys)

Gene: A2ML1 (alpha-2-macroglobulin like 1; plus strand). Cytogenetic location: 12p13.31.
Variant type: single nucleotide variant.
Coding change: c.1969C>T on transcript NM_144670.6 (MANE Select); coding-DNA position 1969, C replaced by T.
Protein change: p.Arg657Cys; replaces arginine 657 with cysteine.
Molecular consequence: missense variant.
Genome position (GRCh38, 1-based): chr12:8,848,855, C>T. VCF-style: chr12-8848855-C-T. GRCh37 (hg19) VCF-style: chr12-9001451-C-T.
Other names: c.1969C>T (NM_144670.3); c.496C>T, p.Arg166Cys (NM_001282424.3); short protein forms R166C, R657C.
Identifiers: ClinVar variation 1011426 (VCV001011426.9), dbSNP rs1449723526, ClinGen allele CA383830903.
Genomic context (GRCh38, chr12:8,848,855, plus strand): 5'-GGCCCATGGGACTTTCCTCAGCCCCTCATTGACCCAATGCCCCAAGGGCATTCGAGCCAG[C>T]GTTCCATTATCTGGAGGCCCTCGTTCTCTGAAGGCACGGACCTTTTCAGCTTTTTCCGGG-3'
Protein context (NP_653271.3, residues 647-667): DPMPQGHSSQ[Arg657Cys]SIIWRPSFSE

ClinVar aggregate classification (germline): Uncertain significance. Review status: criteria provided, multiple submitters, no conflicts (2 of 4 stars). 2 submissions from 2 submitters: Uncertain significance (2). Last evaluated 2025-10-23.

Allele frequency attached by ClinVar (database versions not stated): gnomAD 0.00002.
gnomAD v4.1: 8 of 1,614,026 alleles (0.0005%); highest among the groups gnomAD compares: Admixed American, 0.01%; 1 homozygote.

Submissions (2):

Ambry Genetics
Classification: Uncertain significance. Last evaluated: 2025-10-23. Review status: criteria provided, single submitter. Criteria: Ambry Variant Classification Scheme 2023. Collection method: clinical testing. Allele origin: germline.
Comment: The p.R657C variant (also known as c.1969C>T), located in coding exon 16 of the A2ML1 gene, results from a C to T substitution at nucleotide position 1969. The arginine at codon 657 is replaced by cysteine, an amino acid with highly dissimilar properties. This amino acid position is conserved. In addition, this alteration is predicted to be tolerated by in silico analysis. Based on the available evidence, the clinical significance of this variant remains unclear.

Labcorp Genetics (formerly Invitae), Labcorp
Classification: Uncertain significance. Last evaluated: 2024-09-19. Review status: criteria provided, single submitter. Criteria: Invitae Variant Classification Sherloc (09022015). Collection method: clinical testing. Allele origin: germline.
Comment: This sequence change replaces arginine, which is basic and polar, with cysteine, which is neutral and slightly polar, at codon 657 of the A2ML1 protein (p.Arg657Cys). This variant is present in population databases (no rsID available, gnomAD 0.003%). This variant has not been reported in the literature in individuals affected with A2ML1-related conditions. ClinVar contains an entry for this variant (Variation ID: 1011426). An algorithm developed to predict the effect of missense changes on protein structure and function (PolyPhen-2) suggests that this variant is likely to be disruptive. In summary, the available evidence is currently insufficient to determine the role of this variant in disease. Therefore, it has been classified as a Variant of Uncertain Significance.